The following is an entry in ClinVar:

NM_006648.4(WNK2):c.1645G>A (p.Ala549Thr)

Gene: WNK2 (WNK lysine deficient protein kinase 2; plus strand). Cytogenetic location: 9q22.31.
Variant type: single nucleotide variant.
Coding change: c.1645G>A on transcript NM_006648.4 (MANE Select); coding-DNA position 1645, G replaced by A.
Protein change: p.Ala549Thr; replaces alanine 549 with threonine.
Molecular consequence: missense variant.
Genome position (GRCh38, 1-based): chr9:93,247,645, G>A. VCF-style: chr9-93247645-G-A. GRCh37 (hg19) VCF-style: chr9-96009927-G-A.
Other names: c.1645G>A, p.Ala549Thr (NM_001282394.3); short protein forms A549T.
Identifiers: ClinVar variation 3470494 (VCV003470494.1).

ClinVar aggregate classification (germline): Uncertain significance (1 of 4 stars; one submission).

gnomAD v4.1: 49 of 1,586,934 alleles (0.0031%); highest among the groups gnomAD compares: East Asian, 0.018%; no homozygotes.

Submission:

Ambry Genetics
Classification: Uncertain significance. Last evaluated: 2024-11-28. Review status: criteria provided, single submitter. Criteria: Ambry Variant Classification Scheme 2023. Collection method: clinical testing. Allele origin: germline.
Comment: The p.A549T variant (also known as c.1645G>A), located in coding exon 7 of the WNK2 gene, results from a G to A substitution at nucleotide position 1645. The alanine at codon 549 is replaced by threonine, an amino acid with similar properties. This amino acid position is conserved. In addition, this alteration is predicted to be tolerated by in silico analysis. Based on the available evidence, the clinical significance of this variant remains unclear.